The following is an entry in ClinVar:

ClinVar aggregate classification (germline): Uncertain significance (1 of 4 stars; one submission).

Conditions:
Hereditary cancer-predisposing syndrome. Also called: Neoplastic Syndromes, Hereditary; Tumor predisposition; Hereditary Cancer Syndrome; Hereditary neoplastic syndrome. Identifiers: Orphanet 140162, MedGen C0027672, MeSH D009386, MONDO:0015356.

Submission:

Ambry Genetics
Classification: Uncertain significance for Hereditary cancer-predisposing syndrome. Last evaluated: 2026-05-27. Review status: criteria provided, single submitter. Criteria: Ambry Variant Classification Scheme 2023. Collection method: clinical testing. Allele origin: germline.
Comment: The p.F643L variant (also known as c.1927T>C), located in coding exon 5 of the PALB2 gene, results from a T to C substitution at nucleotide position 1927. The phenylalanine at codon 643 is replaced by leucine, an amino acid with highly similar properties. This amino acid position is conserved. In addition, this alteration is predicted to be tolerated by in silico analysis. Based on the available evidence, the clinical significance of this variant remains unclear.

NM_024675.4(PALB2):c.1927T>C (p.Phe643Leu)

Gene: PALB2 (partner and localizer of BRCA2; minus strand). Cytogenetic location: 16p12.2.
Variant type: single nucleotide variant.
Coding change: c.1927T>C on transcript NM_024675.4 (MANE Select); coding-DNA position 1927, T replaced by C.
Protein change: p.Phe643Leu; replaces phenylalanine 643 with leucine.
Molecular consequence: missense variant. On other transcripts: intron variant (1).
Genome position (GRCh38, 1-based): chr16:23,630,227, A>G on the plus strand (T>C on the coding strand, the complement: PALB2 is on the minus strand). VCF-style: chr16-23630227-A-G. GRCh37 (hg19) VCF-style: chr16-23641548-A-G.
Other names: c.1867T>C, p.Phe623Leu (NM_001407296.1); c.1927T>C, p.Phe643Leu (NM_001407297.1, NM_001407298.1, NM_001407299.1 and 3 more transcripts); c.1042T>C, p.Phe348Leu (NM_001407304.1, NM_001407305.1, NM_001407306.1 and 5 more transcripts); c.139T>C, p.Phe47Leu (NM_001407312.1, NM_001407313.1); c.49-952T>C (NM_001407314.1); short protein forms F348L, F47L, F623L, F643L.
Identifiers: ClinVar variation 4861507 (VCV004861507.1).